The following is an entry in ClinVar:

ClinVar aggregate classification (germline): Benign. Review status: criteria provided, multiple submitters, no conflicts (2 of 4 stars). 6 submissions from 3 submitters: Benign (6). Last evaluated 2021-07-14.

Conditions:
Developmental and epileptic encephalopathy, 42 (DEE42A). Also called: Epileptic encephalopathy, early infantile, 42; DEVELOPMENTAL AND EPILEPTIC ENCEPHALOPATHY 42A; EPILEPTIC ENCEPHALOPATHY, EARLY INFANTILE, 42A. Identifiers: MedGen C4310716, MONDO:0014917, OMIM 617106.
Migraine, familial hemiplegic, 1. Also called: MIGRAINE, FAMILIAL HEMIPLEGIC 1, WITH PROGRESSIVE CEREBELLAR ATAXIA. Identifiers: Orphanet 569, MedGen C1832884, MONDO:0020756, OMIM 141500, MONDO:0007714.
Spinocerebellar ataxia type 6 (SCA6). Identifiers: Orphanet 98758, MedGen C0752124, MONDO:0008457, OMIM 183086.
Episodic ataxia type 2 (EA2). Also called: ACETAZOLAMIDE-RESPONSIVE HEREDITARY PAROXYSMAL CEREBELLAR ATAXIA; ATAXIA, FAMILIAL PAROXYSMAL; CEREBELLAR ATAXIA, PAROXYSMAL, ACETAZOLAMIDE-RESPONSIVE; CEREBELLOPATHY, HEREDITARY PAROXYSMAL; EPISODIC ATAXIA, NYSTAGMUS-ASSOCIATED; ATAXIA, EPISODIC, WITH NYSTAGMUS. Identifiers: Orphanet 97, MedGen C1720416, MONDO:0007163, OMIM 108500.

Allele frequency attached by ClinVar (database versions not stated): 1000 Genomes Project 0.16913; 1000 Genomes Project 30x 0.17224; TOPMed 0.23758; gnomAD 0.23853 and 0.24285; gnomAD exomes 0.25509.
gnomAD v4.1: 180,926 of 717,602 alleles (25%); highest among the groups gnomAD compares: Non-Finnish European, 30%; 25,444 homozygotes.

Submissions (6):

Genome-Nilou Lab
Classification: Benign for Developmental and epileptic encephalopathy, 42. Last evaluated: 2021-07-14. Review status: criteria provided, single submitter. Criteria: ACMG Guidelines, 2015. Collection method: clinical testing. Allele origin: germline. Affected: no.

Genome-Nilou Lab
Classification: Benign for Episodic ataxia type 2. Last evaluated: 2021-07-14. Review status: criteria provided, single submitter. Criteria: ACMG Guidelines, 2015. Collection method: clinical testing. Allele origin: germline. Affected: no.

Genome-Nilou Lab
Classification: Benign for Migraine, familial hemiplegic, 1. Last evaluated: 2021-07-14. Review status: criteria provided, single submitter. Criteria: ACMG Guidelines, 2015. Collection method: clinical testing. Allele origin: germline. Affected: no.

Genome-Nilou Lab
Classification: Benign for Spinocerebellar ataxia type 6. Last evaluated: 2021-07-14. Review status: criteria provided, single submitter. Criteria: ACMG Guidelines, 2015. Collection method: clinical testing. Allele origin: germline. Affected: no.

GeneDx
Classification: Benign. Last evaluated: 2018-06-14. Review status: criteria provided, single submitter. Criteria: GeneDx Variant Classification (06012015). Collection method: clinical testing. Allele origin: germline. Affected: yes.
Comment: This variant is considered likely benign or benign based on one or more of the following criteria: it is a conservative change, it occurs at a poorly conserved position in the protein, it is predicted to be benign by multiple in silico algorithms, and/or has population frequency not consistent with disease.

Breakthrough Genomics
Classification: Benign. Review status: criteria provided, single submitter. Criteria: ACMG Guidelines, 2015. Collection method: not provided. Allele origin: germline. Inheritance: Autosomal dominant inheritance. Affected: yes.

NM_001127222.2(CACNA1A):c.4756-97G>A

Gene: CACNA1A (calcium voltage-gated channel subunit alpha1 A; minus strand). Cytogenetic location: 19p13.13.
Variant type: single nucleotide variant.
Coding change: c.4756-97G>A on transcript NM_001127222.2 (MANE Select); 97 bases into the intron before coding-DNA position 4756, G replaced by A.
Molecular consequence: intron variant.
Genome position (GRCh38, 1-based): chr19:13,253,198, C>T on the plus strand (G>A on the coding strand, the complement: CACNA1A is on the minus strand). VCF-style: chr19-13253198-C-T. GRCh37 (hg19) VCF-style: chr19-13364012-C-T.
Other names: c.4759-97G>A (NM_001127221.2, NM_001174080.2); c.4768-97G>A (NM_000068.4, NM_023035.3).
Identifiers: ClinVar variation 680125 (VCV000680125.5), dbSNP rs8103699, ClinGen allele CA14635992.